The following is an entry in ClinVar:

NM_004933.3(CDH15):c.1031A>T (p.Asn344Ile)

Gene: CDH15 (cadherin 15; plus strand). Cytogenetic location: 16q24.3.
Variant type: single nucleotide variant.
Coding change: c.1031A>T on transcript NM_004933.3 (MANE Select); coding-DNA position 1031, A replaced by T.
Protein change: p.Asn344Ile; replaces asparagine 344 with isoleucine.
Molecular consequence: missense variant.
Genome position (GRCh38, 1-based): chr16:89,190,295, A>T. VCF-style: chr16-89190295-A-T. GRCh37 (hg19) VCF-style: chr16-89256703-A-T.
Other names: short protein forms N344I.
Identifiers: ClinVar variation 816675 (VCV000816675.1), dbSNP rs1597310928, ClinGen allele CA397139499.
Genomic context (GRCh38, chr16:89,190,295, plus strand): 5'-TCCCTCAGGCCCTGGACTATGAGAGCTGTGAACACTACGAACTCAAAGTGTCGGTGCAGA[A>T]TGAGGCCCCGCTGCAGGCGGCTGCCCTTAGGGCTGAGCGGGGCCAGGCCAAGGTCCGCGT-3'
Protein context (NP_004924.1, residues 334-354): EHYELKVSVQ[Asn344Ile]EAPLQAAALR

ClinVar aggregate classification (germline): Uncertain significance (1 of 4 stars; one submission).

Conditions:
Intellectual developmental disorder, autosomal dominant 3. Also called: Intellectual disability, autosomal dominant 3. Identifiers: MedGen C2675488, MONDO:0012946, OMIM 612580.

Submission:

Johns Hopkins Genomics, Johns Hopkins University
Classification: Uncertain significance for Intellectual developmental disorder, autosomal dominant 3. Last evaluated: 2019-11-08. Review status: criteria provided, single submitter. Criteria: ACMG Guidelines, 2015. Collection method: clinical testing. Allele origin: germline.
Comment: This CDH15 variant is absent from a large population dataset and has not been reported in the literature, to our knowledge. Three bioinformatic tools queried predict that this substitution would be probably damaging, and the asparagine residue at this position is evolutionarily conserved across all but one of the species assessed. Due to lack of functional data and segregation data, we consider the clinical significance of c.1031A>T to be uncertain at this time.